The following is an entry in ClinVar:

NM_023036.6(DNAI2):c.609G>A (p.Leu203=)

Gene: DNAI2 (dynein axonemal intermediate chain 2; plus strand). Cytogenetic location: 17q25.1.
Variant type: single nucleotide variant.
Coding change: c.609G>A on transcript NM_023036.6 (MANE Select); coding-DNA position 609, G replaced by A.
Protein change: p.Leu203=; no amino-acid change (leucine 203 retained).
Molecular consequence: synonymous variant. On other transcripts: non-coding transcript variant (1).
Genome position (GRCh38, 1-based): chr17:74,289,735, G>A. VCF-style: chr17-74289735-G-A. GRCh37 (hg19) VCF-style: chr17-72285874-G-A.
Other names: c.609G>A, p.Leu203= (NM_001172810.3, NM_001353167.2).
Identifiers: ClinVar variation 1351350 (VCV001351350.8), dbSNP rs2143941710, ClinGen allele CA501732031.

ClinVar aggregate classification (germline): Uncertain significance (1 of 4 stars; one submission).

Conditions:
Primary ciliary dyskinesia. Also called: Ciliary dyskinesia. Identifiers: Orphanet 244, MedGen C0008780, MONDO:0016575, HP:0012265.

Submission:

Labcorp Genetics (formerly Invitae), Labcorp
Classification: Uncertain significance for Primary ciliary dyskinesia. Last evaluated: 2022-08-16. Review status: criteria provided, single submitter. Criteria: Invitae Variant Classification Sherloc (09022015). Collection method: clinical testing. Allele origin: germline.
Comment: This sequence change affects codon 203 of the DNAI2 mRNA. It is a 'silent' change, meaning that it does not change the encoded amino acid sequence of the DNAI2 protein. It affects a nucleotide within the consensus splice site. This variant is not present in population databases (gnomAD no frequency). This variant has not been reported in the literature in individuals affected with DNAI2-related conditions. ClinVar contains an entry for this variant (Variation ID: 1351350). Algorithms developed to predict the effect of sequence changes on RNA splicing suggest that this variant is not likely to affect RNA splicing. In summary, the available evidence is currently insufficient to determine the role of this variant in disease. Therefore, it has been classified as a Variant of Uncertain Significance.